The following is an entry in ClinVar:

NM_000069.3(CACNA1S):c.2360A>T (p.Lys787Met)

Gene: CACNA1S (calcium voltage-gated channel subunit alpha1 S; minus strand). Cytogenetic location: 1q32.1.
Variant type: single nucleotide variant.
Coding change: c.2360A>T on transcript NM_000069.3 (MANE Select); coding-DNA position 2360, A replaced by T.
Protein change: p.Lys787Met; replaces lysine 787 with methionine.
Molecular consequence: missense variant.
Genome position (GRCh38, 1-based): chr1:201,070,272, T>A on the plus strand (A>T on the coding strand, the complement: CACNA1S is on the minus strand). VCF-style: chr1-201070272-T-A. GRCh37 (hg19) VCF-style: chr1-201039400-T-A.
Other names: c.2360A>T (NM_000069.2); short protein forms K787M.
Identifiers: ClinVar variation 2185039 (VCV002185039.6), dbSNP rs770110085, ClinGen allele CA35973977.
Genomic context (GRCh38, chr1:201,070,272, plus strand): 5'-GGGCAGGGAAGCAGATGAGAGCCGCATCAATCACCCCCACAGCAGCCAAGGGGCACCCAC[T>A]TATTGGTGGGGCTGAAGATGAAGAAGGAGCTGGCTTCTGGAATGGGCACGGCCTTCTCTT-3'
Protein context (NP_000060.2, residues 777-797): SSFFIFSPTN[Lys787Met]IRVLCHRIVN

ClinVar aggregate classification (germline): Uncertain significance. Review status: criteria provided, multiple submitters, no conflicts (2 of 4 stars). 4 submissions from 4 submitters: Uncertain significance (4). Last evaluated 2025-12-24.

Conditions:
Malignant hyperthermia, susceptibility to, 5 (MHS5). Also called: CACNA1S-Related Malignant Hyperthermia Susceptibility. Identifiers: Orphanet 423, MedGen C1866077, MONDO:0011163, OMIM 601887.
Congenital myopathy 18. Also called: Myopathy, congenital, due to dihydropyridine receptor defect; DIHYDROPYRIDINE RECEPTOR CONGENITAL MYOPATHY; DHPR CONGENITAL MYOPATHY. Identifiers: MedGen C5830283, MONDO:0859514, OMIM 620246.
Hypokalemic periodic paralysis, type 1. Also called: HypoPP; Hypokalemic Periodic Paralysis Type 1 (AD). Identifiers: Orphanet 681, MedGen C3714580, MONDO:0042979, OMIM 170400.
Thyrotoxic periodic paralysis, susceptibility to, 1 (TTPP1). Identifiers: Orphanet 79102, MedGen C2749982, MONDO:0008570, OMIM 188580.

Allele frequency attached by ClinVar (database versions not stated): gnomAD exomes below 0.00001; gnomAD 0.00001; TOPMed 0.00001.
gnomAD v4.1: 5 of 1,613,758 alleles (0.00031%); highest among the groups gnomAD compares: Non-Finnish European, 0.00042%; no homozygotes.

Submissions (4):

Labcorp Genetics (formerly Invitae), Labcorp
Classification: Uncertain significance for Hypokalemic periodic paralysis, type 1; Malignant hyperthermia, susceptibility to, 5. Last evaluated: 2025-12-24. Review status: criteria provided, single submitter. Criteria: Invitae Variant Classification Sherloc (09022015). Collection method: clinical testing. Allele origin: germline.
Comment: This sequence change replaces lysine, which is basic and polar, with methionine, which is neutral and non-polar, at codon 787 of the CACNA1S protein (p.Lys787Met). This variant is present in population databases (rs770110085, gnomAD 0.007%). This variant has not been reported in the literature in individuals affected with CACNA1S-related conditions. ClinVar contains an entry for this variant (Variation ID: 2185039). Invitae Evidence Modeling of protein sequence and biophysical properties (such as structural, functional, and spatial information, amino acid conservation, physicochemical variation, residue mobility, and thermodynamic stability) indicates that this missense variant is not expected to disrupt CACNA1S protein function with a negative predictive value of 95%. In summary, the available evidence is currently insufficient to determine the role of this variant in disease. Therefore, it has been classified as a Variant of Uncertain Significance.

GeneDx
Classification: Uncertain significance. Last evaluated: 2025-01-31. Review status: criteria provided, single submitter. Criteria: GeneDx Variant Classification Process June 2021. Collection method: clinical testing. Allele origin: germline. Affected: yes.
Comment: In silico analysis supports that this missense variant has a deleterious effect on protein structure/function; Has not been previously published as pathogenic or benign to our knowledge

All of Us Research Program, National Institutes of Health
Classification: Uncertain significance for Malignant hyperthermia, susceptibility to, 5. Last evaluated: 2024-08-13. Review status: criteria provided, single submitter. Criteria: ACMG Guidelines, 2015. Collection method: clinical testing. Allele origin: germline. Inheritance: Autosomal dominant inheritance. Observed: 3 variant alleles, 3 heterozygotes.
Comment: This missense variant replaces lysine with methionine at codon 787 of the CACNA1S protein. Computational prediction suggests that this variant may have deleterious impact on protein structure and function (internally defined REVEL score threshold >= 0.7, PMID: 27666373). To our knowledge, functional studies have not been reported for this variant. This variant has not been reported in individuals affected with CACNA1S-related disorders in the literature. This variant has been identified in 1/31370 chromosomes in the general population by the Genome Aggregation Database (gnomAD). The available evidence is insufficient to determine the role of this variant in disease conclusively. Therefore, this variant is classified as a Variant of Uncertain Significance.

This study involves interpretation of variants in research participants for the purpose of population health screening. Participant phenotype was not available at the time of variant classification. Additional details can be found in publication PMID: 35346344, PMCID: PMC8962531

Fulgent Genetics
Classification: Uncertain significance for Hypokalemic periodic paralysis, type 1; Thyrotoxic periodic paralysis, susceptibility to, 1; Malignant hyperthermia, susceptibility to, 5; Congenital myopathy 18. Last evaluated: 2024-06-24. Review status: criteria provided, single submitter. Criteria: ACMG Guidelines, 2015. Collection method: clinical testing. Allele origin: germline.